The following is an entry in ClinVar:

ClinVar aggregate classification (germline): Benign. Review status: criteria provided, multiple submitters, no conflicts (2 of 4 stars). 2 submissions from 2 submitters: Benign (2). Last evaluated 2018-01-12.

Conditions:
Fraser syndrome 2 (FRASRS2). Identifiers: MedGen C4540036, MONDO:0054738, OMIM 617666.

Allele frequency attached by ClinVar (database versions not stated): 1000 Genomes Project 30x 0.43239; 1000 Genomes Project 0.43391; TOPMed 0.45911; gnomAD exomes 0.75000.

Submissions (2):

Illumina Laboratory Services, Illumina
Classification: Benign for Fraser syndrome 2. Last evaluated: 2018-01-12. Review status: criteria provided, single submitter. Criteria: ICSL Variant Classification Criteria 13 December 2019. Collection method: clinical testing. Allele origin: germline.
Comment: This variant was observed in the ICSL laboratory as part of a predisposition screen in an ostensibly healthy population. It had not been previously curated by ICSL or reported in the Human Gene Mutation Database (HGMD: prior to June 1st, 2018), and was therefore a candidate for classification through an automated scoring system. Utilizing variant allele frequency, disease prevalence and penetrance estimates, and inheritance mode, an automated score was calculated to assess if this variant is too frequent to cause the disease. Based on the score and internal cut-off values, a variant classified as benign is not then subjected to further curation. The score for this variant resulted in a classification of benign for this disease.

Breakthrough Genomics
Classification: Benign. Review status: criteria provided, single submitter. Criteria: ACMG Guidelines, 2015. Collection method: not provided. Allele origin: germline. Inheritance: Autosomal recessive inheritance. Affected: yes.

NM_207361.6(FREM2):c.*2140C>G

Gene: FREM2 (FRAS1 related extracellular matrix 2; plus strand). Cytogenetic location: 13q13.3.
Variant type: single nucleotide variant.
Coding change: c.*2140C>G on transcript NM_207361.6 (MANE Select); 2140 bases downstream of the stop codon, C replaced by G.
Molecular consequence: 3 prime UTR variant.
Genome position (GRCh38, 1-based): chr13:38,882,927, C>G. VCF-style: chr13-38882927-C-G. GRCh37 (hg19) VCF-style: chr13-39457064-C-G.
Identifiers: ClinVar variation 312065 (VCV000312065.6), dbSNP rs7324632, ClinGen allele CA10643442.